The following is an entry in ClinVar:

NC_000016.9:g.(?_57697344)_(57697494_?)del

Gene: ADGRG1 (adhesion G protein-coupled receptor G1; plus strand). Cytogenetic location: 16q21.
Variant type: Deletion.
Identifiers: ClinVar variation 3243643 (VCV003243643.1).

ClinVar aggregate classification (germline): Pathogenic (1 of 4 stars; one submission).

Submission:

Labcorp Genetics (formerly Invitae), Labcorp
Classification: Pathogenic. Last evaluated: 2023-06-02. Review status: criteria provided, single submitter. Criteria: Invitae Variant Classification Sherloc (09022015). Collection method: clinical testing. Allele origin: unknown.
Comment: This variant is a gross deletion of the genomic region encompassing exon(s) 15 of the ADGRG1 gene, which includes the termination codon. This deletion extends beyond the assayed region for this gene and therefore may encompass additional genes. While this deletion is not anticipated to lead to nonsense mediated decay, it is expected to alter mRNA translation or result in a truncated protein product. This variant has not been reported in the literature in individuals affected with ADGRG1-related conditions. For these reasons, this variant has been classified as Pathogenic. This variant disrupts a region of the ADGRG1 protein in which other variant(s) (p.Trp657*) have been determined to be pathogenic (PMID: 28097321). This suggests that this is a clinically significant region of the protein, and that variants that disrupt it are likely to be disease-causing.

Literature cited by the submitters: PubMed 28097321.